The following is an entry in ClinVar:

ClinVar aggregate classification (germline): Uncertain significance. Review status: criteria provided, multiple submitters, no conflicts (2 of 4 stars). 2 submissions from 2 submitters: Uncertain significance (2). Last evaluated 2023-12-15.

Allele frequency attached by ClinVar (database versions not stated): TOPMed below 0.00001; ExAC 0.00001; gnomAD 0.00001.
gnomAD v4.1: 2 of 1,613,078 alleles (0.00012%); highest among the groups gnomAD compares: African/African-American, 0.0027%; no homozygotes.

Submissions (2):

GeneDx
Classification: Uncertain significance. Last evaluated: 2023-12-15. Review status: criteria provided, single submitter. Criteria: GeneDx Variant Classification Process June 2021. Collection method: clinical testing. Allele origin: germline. Affected: yes.
Comment: In silico analysis supports that this variant does not alter splicing; Has not been previously published as pathogenic or benign to our knowledge

Women's Health and Genetics/Laboratory Corporation of America, LabCorp
Classification: Uncertain significance. Last evaluated: 2019-03-06. Review status: criteria provided, single submitter. Criteria: LabCorp Variant Classification Summary - May 2015. Collection method: clinical testing. Allele origin: germline.
Comment: Variant summary: GPAA1 c.1164+1A>G is located in an atypical splice-site and is predicted to affect mRNA splicing which might result in a significantly altered protein due to either exon skipping, shortening, or inclusion of intronic material. Several computational tools predict a significant impact on normal splicing. However, these predictions have yet to be confirmed by functional studies. The variant allele was found at a frequency of 7.2e-06 in 276646 control chromosomes (gnomAD). To our knowledge, no occurrence of c.1164+1A>G in individuals affected with Glycosylphosphatidylinositol biosynthesis defect 15 and no experimental evidence demonstrating its impact on protein function have been reported. No clinical diagnostic laboratories have submitted clinical-significance assessments for this variant to ClinVar after 2014. Based on the evidence outlined above, the variant was classified as VUS-possibly pathogenic.

NM_003801.4(GPAA1):c.1164+1A>G

Gene: GPAA1 (glycosylphosphatidylinositol anchor attachment 1; plus strand). Cytogenetic location: 8q24.3.
Variant type: single nucleotide variant.
Coding change: c.1164+1A>G on transcript NM_003801.4 (MANE Select); the canonical splice donor site of the intron after coding-DNA position 1164, A replaced by G.
Molecular consequence: splice donor variant.
Genome position (GRCh38, 1-based): chr8:144,084,876, A>G. VCF-style: chr8-144084876-A-G. GRCh37 (hg19) VCF-style: chr8-145139779-A-G.
Identifiers: ClinVar variation 928519 (VCV000928519.2), dbSNP rs782802396, ClinGen allele CA4933062.
Genomic context (GRCh38, chr8:144,084,876, plus strand): 5'-GTCTCCATCGGCCTCTACATGCCCGCTGTCGGCTTCTTGCTCCTGGTCCTTGGTCTCAAG[A>G]TATCCTCTGCCCCTTGCCATCTACCTGTGACCAGCCTCCAGTCTCCTCAACTCTAGGCTG-3'